The following is an entry in ClinVar:

NM_001040458.3(ERAP1):c.*17A>C

Gene: ERAP1 (endoplasmic reticulum aminopeptidase 1; minus strand). Cytogenetic location: 5q15.
Variant type: single nucleotide variant.
Coding change: c.*17A>C on transcript NM_001040458.3 (MANE Select); 17 bases downstream of the stop codon, A replaced by C.
Molecular consequence: 3 prime UTR variant. On other transcripts: intron variant (2).
Genome position (GRCh38, 1-based): chr5:96,776,379, T>G on the plus strand (A>C on the coding strand, the complement: ERAP1 is on the minus strand). VCF-style: chr5-96776379-T-G. GRCh37 (hg19) VCF-style: chr5-96112083-T-G.
Other names: c.*17A>C (NM_001198541.3); c.2818+25A>C (NM_001349244.2, NM_016442.5).
Identifiers: ClinVar variation 2688446 (VCV002688446.2), dbSNP rs1065407, ClinGen allele CA3351792.

ClinVar aggregate classification (germline): Benign (1 of 4 stars; one submission).

Allele frequency attached by ClinVar (database versions not stated): ESP Exome Variant Server 0.27326; 1000 Genomes Project 0.17412; 1000 Genomes Project 30x 0.17552; TOPMed 0.24840.
gnomAD v4.1: 506,261 of 1,599,214 alleles (32%); highest among the groups gnomAD compares: Non-Finnish European, 35%; 85,794 homozygotes.

Submission:

Unidad de Genómica Garrahan, Hospital de Pediatría Garrahan
Classification: Benign. Last evaluated: 2024-01-24. Review status: criteria provided, single submitter. Criteria: ACMG Guidelines, 2015. Collection method: clinical testing. Allele origin: germline. Affected: no. Observed: 33 variant alleles.
Comment: This variant is classified as Benign based on local population frequency. This variant was detected in 38% of patients studied by a panel of primary immunodeficiencies. Number of patients: 33. Only high quality variants are reported.